The following is an entry in ClinVar:

NM_000053.4(ATP7B):c.3045G>A (p.Leu1015=)

Gene: ATP7B (ATPase copper transporting beta; minus strand). Cytogenetic location: 13q14.3.
Variant type: single nucleotide variant.
Coding change: c.3045G>A on transcript NM_000053.4 (MANE Select); coding-DNA position 3045, G replaced by A.
Protein change: p.Leu1015=; no amino-acid change (leucine 1015 retained).
Molecular consequence: synonymous variant.
Genome position (GRCh38, 1-based): chr13:51,946,299, C>T on the plus strand (G>A on the coding strand, the complement: ATP7B is on the minus strand). VCF-style: chr13-51946299-C-T. GRCh37 (hg19) VCF-style: chr13-52520435-C-T.
Other names: p.Leu1015=; c.2424G>A, p.Leu808= (NM_001005918.3); c.2712G>A, p.Leu904= (NM_001243182.2); c.2811G>A, p.Leu937= (NM_001330578.2); c.2793G>A, p.Leu931= (NM_001330579.2).
Identifiers: ClinVar variation 35716 (VCV000035716.61), dbSNP rs1801248, ClinGen allele CA171306.
Genomic context (GRCh38, chr13:51,946,299, plus strand): 5'-CTACTTTCATCTCTCAGGATGGGGAAAGCCGTGCTACAGGCTGACCTTGTGCGCCATCTC[C>T]AGGGGCTTGCCTCCCTTGATGAGGATGCCGTTCTGCGCGGCCACCCCGGTGCCCACCATG-3'
Protein context (NP_000044.2, residues 1005-1025): NGILIKGGKP[Leu1015=]EMAHKIKTVM

ClinVar aggregate classification (germline): Conflicting classifications of pathogenicity. Review status: criteria provided, conflicting classifications (1 of 4 stars). 25 submissions from 25 submitters: Likely pathogenic (1); Uncertain significance (2); Benign (14); Likely benign (2). 6 of the submissions do not count toward it. Last evaluated 2026-02-18.

Conditions:
Inborn genetic diseases. Identifiers: MedGen C0950123, MeSH D030342.
Wilson disease (WND). Also called: Wilson's disease. Identifiers: Orphanet 905, MedGen C0019202, MONDO:0010200, OMIM 277900. Disease mechanism: loss of function.

Allele frequency attached by ClinVar (database versions not stated): 1000 Genomes Project 0.01238; 1000 Genomes Project 30x 0.01374; TOPMed 0.02511; gnomAD 0.02518 and 0.02598; gnomAD exomes 0.02541 and 0.03556; ESP Exome Variant Server 0.02953; ExAC 0.05492.
gnomAD v4.1: 54,737 of 1,592,588 alleles (3.4%); highest among the groups gnomAD compares: Middle Eastern, 5%; 1,103 homozygotes.

Submissions (25):

Institute of Human Genetics, University of Leipzig Medical Center
Classification: Uncertain significance for Wilson disease. Last evaluated: 2026-02-18. Review status: criteria provided, single submitter. Criteria: ACMG Guidelines, 2015. Collection method: clinical testing. Allele origin: unknown. Inheritance: Autosomal recessive inheritance. Affected: yes.
Comment: Criteria applied: PVS1_MOD

Labcorp Genetics (formerly Invitae), Labcorp
Classification: Benign for Wilson disease. Last evaluated: 2026-02-04. Review status: criteria provided, single submitter. Criteria: Invitae Variant Classification Sherloc (09022015). Collection method: clinical testing. Allele origin: germline.

Mayo Clinic Laboratories, Mayo Clinic
Classification: Likely benign. Last evaluated: 2025-12-08. Review status: criteria provided, single submitter. Criteria: ACMG Guidelines, 2015. Collection method: clinical testing. Allele origin: germline. Observed: 178 variant alleles.
Comment: BS1, BS2, BP4, BP7

3billion
Classification: Benign for Wilson disease. Last evaluated: 2025-08-19. Review status: criteria provided, single submitter. Criteria: ACMG Guidelines, 2015. Collection method: clinical testing. Allele origin: germline. Affected: yes.
Comment: The variant is observed as homozygous in at least two unrelated individuals/adults in the gnomAD v4.1.0 dataset. Predicted Consequence/Location: Synonymous variant The variant has been reported at least twice as benign with clinical assertions and evidence for the classification (ClinVar ID: VCV000035716). Therefore, this variant is classified as Risk allele according to the recommendation of ACMG/AMP guideline.

ARUP Laboratories, Molecular Genetics and Genomics, ARUP Laboratories
Classification: Benign for Wilson disease. Last evaluated: 2025-07-07. Review status: criteria provided, single submitter. Criteria: ARUP Molecular Germline Variant Investigation Process 2024. Collection method: clinical testing. Allele origin: germline.

Blueprint Genetics
Classification: Benign. Last evaluated: 2024-11-27. Review status: criteria provided, single submitter. Criteria: ACMG Guidelines, 2015. Collection method: clinical testing. Allele origin: germline.

All of Us Research Program, National Institutes of Health
Classification: Benign for Wilson disease. Last evaluated: 2024-10-01. Review status: criteria provided, single submitter. Criteria: ACMG Guidelines, 2015. Collection method: clinical testing. Allele origin: germline. Inheritance: Autosomal recessive inheritance. Observed: 9,124 variant alleles, 8,950 heterozygotes, 172 homozygotes, 2 hemizygotes.
Comment: This study involves interpretation of variants in research participants for the purpose of population health screening. Participant phenotype was not available at the time of variant classification. Additional details can be found in publication PMID: 35346344, PMCID: PMC8962531

Revvity Omics, Revvity
Classification: Likely benign for Wilson disease. Last evaluated: 2024-04-23. Review status: criteria provided, single submitter. Criteria: ACMG Guidelines, 2015. Collection method: clinical testing. Allele origin: germline.

Genomic Medicine Center of Excellence, King Faisal Specialist Hospital and Research Centre
Classification: Uncertain significance for Wilson disease. Last evaluated: 2024-03-26. Review status: criteria provided, single submitter. Criteria: ACMG Guidelines, 2015. Collection method: clinical testing. Allele origin: germline.

Molecular Genetics, Royal Melbourne Hospital
Classification: Benign for Wilson disease. Last evaluated: 2024-01-05. Review status: criteria provided, single submitter. Criteria: ACMG Guidelines, 2015. Collection method: clinical testing. Allele origin: germline. Inheritance: Autosomal recessive inheritance. Affected: no.

Women's Health and Genetics/Laboratory Corporation of America, LabCorp
Classification: Benign. Last evaluated: 2023-03-01. Review status: criteria provided, single submitter. Criteria: LabCorp Variant Classification Summary - May 2015. Collection method: clinical testing. Allele origin: germline.
Comment: Variant summary: ATP7B c.3045G>A alters a conserved nucleotide resulting in a synonymous change. At least one computational tool predicts no significant impact on normal splicing. However, these predictions have yet to be confirmed by functional studies. The variant allele was found at a frequency of 0.025 in 218250 control chromosomes in the gnomAD database, including 112 homozygotes. The observed variant frequency is approximately 5 fold of the estimated maximal expected allele frequency for a pathogenic variant in ATP7B causing Wilson Disease phenotype (0.0054), strongly suggesting that the variant is benign. c.3045G>A has been reported in the literature in individuals affected with Wilson Disease. These report(s) do not provide unequivocal conclusions about association of the variant with Wilson Disease.Nine clinical diagnostic laboratories have submitted clinical-significance assessments for this variant to ClinVar after 2014 without evidence for independent evaluation. Multiple laboratories reported the variant with consensus of benign (benign/likely benign n=7, likely pathogenic n=1, VUS n=1) . Based on the evidence outlined above, the variant was classified as benign.

Genome-Nilou Lab
Classification: Benign for Wilson disease. Last evaluated: 2021-07-01. Review status: criteria provided, single submitter. Criteria: ACMG Guidelines, 2015. Collection method: clinical testing. Allele origin: germline. Affected: no.

Institute for Genomic Medicine, Nationwide Children's Hospital
Classification: Likely pathogenic for Wilson disease. Last evaluated: 2021-04-20. Review status: criteria provided, single submitter. Criteria: ACMG Guidelines, 2015. Collection method: research. Allele origin: germline. Inheritance: Autosomal recessive inheritance. Affected: yes. Observed: 1 variant allele, 1 compound heterozygote.
Comment: The c.3045G>A variant is predicted to encode a synonymous change (p.Leu1015Leu) in exon 13 of ATP7B. The prevalence of this variant in the gnomAD database (MAF=0.02544, 126 homozygotes) suggests that it is far too common to cause disease in homozygous state. However, we identified this variant in compound-heterozygous state with a well-established pathogenic truncating variant (p.Arg1319*). Research RNA-seq of proband liver tissue established that the p.Leu1015Leu variant causes exon 13 skipping in approximately 1/3 of transcripts. We propose that this variant is a hypomorphic allele that only causes disease when compound-heterozygous with a loss-of-function variant. We therefore interpret the p.Leu1015Leu variant as likely pathogenic.

Color Diagnostics, LLC DBA Color Health
Classification: Benign for Wilson disease. Last evaluated: 2019-03-28. Review status: criteria provided, single submitter. Criteria: ACMG Guidelines, 2015. Collection method: clinical testing. Allele origin: germline.

Illumina Laboratory Services, Illumina
Classification: Benign for Wilson disease. Last evaluated: 2018-01-13. Review status: criteria provided, single submitter. Criteria: ICSL Variant Classification Criteria 13 December 2019. Collection method: clinical testing. Allele origin: germline.
Comment: This variant was observed in the ICSL laboratory as part of a predisposition screen in an ostensibly healthy population. It had not been previously curated by ICSL or reported in the Human Gene Mutation Database (HGMD: prior to June 1st, 2018), and was therefore a candidate for classification through an automated scoring system. Utilizing variant allele frequency, disease prevalence and penetrance estimates, and inheritance mode, an automated score was calculated to assess if this variant is too frequent to cause the disease. Based on the score and internal cut-off values, a variant classified as benign is not then subjected to further curation. The score for this variant resulted in a classification of benign for this disease.

Ambry Genetics
Classification: Benign for Inborn genetic diseases. Last evaluated: 2016-08-10. Review status: criteria provided, single submitter. Criteria: Ambry Variant Classification Scheme 2023. Collection method: clinical testing. Allele origin: germline.

GeneDx
Classification: Benign. Last evaluated: 2016-02-08. Review status: criteria provided, single submitter. Criteria: GeneDx Variant Classification (06012015). Collection method: clinical testing. Allele origin: germline. Affected: yes.
Comment: This variant is considered likely benign or benign based on one or more of the following criteria: it is a conservative change, it occurs at a poorly conserved position in the protein, it is predicted to be benign by multiple in silico algorithms, and/or has population frequency not consistent with disease.

Genetic Services Laboratory, University of Chicago
Classification: Benign. Last evaluated: 2013-02-08. Review status: criteria provided, single submitter. Criteria: ACMG Guidelines, 2007. Collection method: clinical testing. Allele origin: germline. Inheritance: Autosomal recessive inheritance.

PreventionGenetics, part of Exact Sciences
Classification: Benign. Review status: criteria provided, single submitter. Criteria: ACMG Guidelines, 2015. Collection method: clinical testing. Allele origin: germline.

Natera, Inc.
Classification: Benign for Wilson disease. Last evaluated: 2020-09-16. Review status: no assertion criteria provided. Collection method: clinical testing. Allele origin: germline. Not counted in ClinVar's aggregate classification.

Clinical Genetics, Academic Medical Center
Classification: Benign. Review status: no assertion criteria provided. Collection method: clinical testing. Allele origin: germline. Affected: yes. Study: VKGL Data-share Consensus. Not counted in ClinVar's aggregate classification.

Genome Diagnostics Laboratory, Amsterdam University Medical Center
Classification: Benign. Review status: no assertion criteria provided. Collection method: clinical testing. Allele origin: germline. Affected: yes. Study: VKGL Data-share Consensus. Not counted in ClinVar's aggregate classification.

Genome Diagnostics Laboratory, University Medical Center Utrecht
Classification: Benign. Review status: no assertion criteria provided. Collection method: clinical testing. Allele origin: germline. Affected: yes. Study: VKGL Data-share Consensus. Not counted in ClinVar's aggregate classification.

Joint Genome Diagnostic Labs from Nijmegen and Maastricht, Radboudumc and MUMC+
Classification: Benign. Review status: no assertion criteria provided. Collection method: clinical testing. Allele origin: germline. Affected: yes. Study: VKGL Data-share Consensus. Not counted in ClinVar's aggregate classification.

Mendelics
Classification: Benign for Wilson disease. Last evaluated: 2023-12-26. Review status: flagged submission. Criteria: Mendelics Assertion Criteria 2019. Collection method: clinical testing. Allele origin: germline. Not counted in ClinVar's aggregate classification.
ClinVar note: Reason: Outlier claim with insufficient supporting evidence

Literature cited by the submitters: PubMed 34476810 (cited by Mayo Clinic Laboratories, Mayo Clinic); PubMed 8533760 (cited by Women's Health and Genetics/Laboratory Corporation of America, LabCorp); PubMed 16088907 (cited by Women's Health and Genetics/Laboratory Corporation of America, LabCorp).